The following is an entry in ClinVar:

ClinVar aggregate classification (germline): Uncertain significance (1 of 4 stars; one submission).

Conditions:
MYO5B-related disorder. Also called: MYO5B-related condition.

Submission:

PreventionGenetics, part of Exact Sciences
Classification: Uncertain significance for MYO5B-related condition. Last evaluated: 2026-02-24. Review status: criteria provided, single submitter. Criteria: ACMG Guidelines, 2015. Collection method: clinical testing. Allele origin: germline.
Comment: The MYO5B c.4393G>T variant is predicted to result in the amino acid substitution p.Asp1465Tyr. To our knowledge, this variant has not been reported in the literature or in a large population database (gnomAD), indicating this variant is rare. At this time, the clinical significance of this variant is uncertain due to the absence of conclusive functional and genetic evidence.

NM_001080467.3(MYO5B):c.4393G>T (p.Asp1465Tyr)

Genes: MYO5B (myosin VB; minus strand), SNHG22 (small nucleolar RNA host gene 22; plus strand). Cytogenetic location: 18q21.1.
Variant type: single nucleotide variant.
Coding change: c.4393G>T on transcript NM_001080467.3 (MANE Select); coding-DNA position 4393, G replaced by T.
Protein change: p.Asp1465Tyr; replaces aspartic acid 1465 with tyrosine.
Molecular consequence: missense variant.
Genome position (GRCh38, 1-based): chr18:49,847,212, C>A on the plus strand (G>T on the coding strand, the complement: MYO5B is on the minus strand). VCF-style: chr18-49847212-C-A. GRCh37 (hg19) VCF-style: chr18-47373582-C-A.
Other names: short protein forms D1465Y.
Identifiers: ClinVar variation 4993965 (VCV004993965.1).